The following is an entry in ClinVar:

ClinVar aggregate classification (germline): Uncertain significance (1 of 4 stars; one submission).

Conditions:
Familial adenomatous polyposis 1 (FAP1). Also called: FAMILIAL ADENOMATOUS POLYPOSIS 1, ATTENUATED; POLYPOSIS, ADENOMATOUS INTESTINAL. Identifiers: MedGen C2713442, MONDO:0021056, OMIM 175100. Disease mechanism: loss of function.

Submission:

Labcorp Genetics (formerly Invitae), Labcorp
Classification: Uncertain significance for Familial adenomatous polyposis 1. Last evaluated: 2023-04-15. Review status: criteria provided, single submitter. Criteria: Invitae Variant Classification Sherloc (09022015). Collection method: clinical testing. Allele origin: germline.
Comment: This variant has not been reported in the literature in individuals affected with APC-related conditions. In summary, the available evidence is currently insufficient to determine the role of this variant in disease. Therefore, it has been classified as a Variant of Uncertain Significance. Advanced modeling of protein sequence and biophysical properties (such as structural, functional, and spatial information, amino acid conservation, physicochemical variation, residue mobility, and thermodynamic stability) performed at Invitae indicates that this missense variant is not expected to disrupt APC protein function. This variant is not present in population databases (gnomAD no frequency). This sequence change replaces aspartic acid, which is acidic and polar, with glycine, which is neutral and non-polar, at codon 1636 of the APC protein (p.Asp1636Gly).

NM_000038.6(APC):c.4907A>G (p.Asp1636Gly)

Gene: APC (APC regulator of Wnt signaling pathway; plus strand). Cytogenetic location: 5q22.2.
Variant type: single nucleotide variant.
Coding change: c.4907A>G on transcript NM_000038.6 (MANE Select); coding-DNA position 4907, A replaced by G.
Protein change: p.Asp1636Gly; replaces aspartic acid 1636 with glycine.
Molecular consequence: missense variant. On other transcripts: non-coding transcript variant (2).
Genome position (GRCh38, 1-based): chr5:112,840,501, A>G. VCF-style: chr5-112840501-A-G. GRCh37 (hg19) VCF-style: chr5-112176198-A-G.
Other names: c.4604A>G, p.Asp1535Gly (NM_001407460.1, NM_001354903.2, NM_001407458.1 and 1 more transcripts); c.4520A>G, p.Asp1507Gly (NM_001407467.1, NM_001407469.1); c.4058A>G, p.Asp1353Gly (NM_001407470.1, NM_001354906.2); c.3755A>G, p.Asp1252Gly (NM_001407471.1, NM_001407472.1); c.4907A>G, p.Asp1636Gly (NM_001127510.3, NM_001354895.2, NM_001407450.1); c.4853A>G, p.Asp1618Gly (NM_001127511.3); c.4961A>G, p.Asp1654Gly (NM_001354896.2, NM_001407447.1, NM_001407448.1 and 1 more transcripts); c.4937A>G, p.Asp1646Gly (NM_001354897.2); and 11 more; short protein forms D1252G, D1510G, D1595G, D1636G, D1664G, D1353G, D1553G, D1608G.
Identifiers: ClinVar variation 2856498 (VCV002856498.3), dbSNP rs2149927063, ClinGen allele CA16032080.